The following is an entry in ClinVar:

NM_145239.3(PRRT2):c.976del (p.Leu326fs)

Genes: MVP-DT (MVP divergent transcript; minus strand), PRRT2 (proline rich transmembrane protein 2; plus strand). Cytogenetic location: 16p11.2.
Variant type: Deletion.
Coding change: c.976del on transcript NM_145239.3 (MANE Select); coding-DNA position 976, one base deleted (C; older notation c.976delC).
Protein change: p.Leu326fs; shifts the reading frame from leucine 326.
Molecular consequence: frameshift variant. On other transcripts: 3 prime UTR variant (1).
Genome position (GRCh38, 1-based): chr16:29,814,429, C deleted; the last of 2 consecutive C bases (chr16:29,814,428-29,814,429); deleting either gives the same sequence. VCF-style (leftmost placement, unchanged base first): chr16-29814427-TC-T. GRCh37 (hg19) VCF-style: chr16-29825748-TC-T.
Other names: c.976del, p.Leu326fs (NM_001256442.2); c.*475del (NM_001256443.2); short protein forms L326fs.
Identifiers: ClinVar variation 2748100 (VCV002748100.3), dbSNP rs2543339322, ClinGen allele CA2697555755.

ClinVar aggregate classification (germline): Pathogenic (1 of 4 stars; one submission).

Conditions:
Episodic kinesigenic dyskinesia (EKD). Also called: Paroxysmal kinesigenic dyskinesia. Identifiers: Orphanet 98809, MedGen C1868682, MONDO:0044202.

Submission:

Labcorp Genetics (formerly Invitae), Labcorp
Classification: Pathogenic for Episodic kinesigenic dyskinesia. Last evaluated: 2023-07-29. Review status: criteria provided, single submitter. Criteria: Invitae Variant Classification Sherloc (09022015). Collection method: clinical testing. Allele origin: germline.
Comment: This sequence change creates a premature translational stop signal (p.Leu326Serfs*11) in the PRRT2 gene. While this is not anticipated to result in nonsense mediated decay, it is expected to disrupt the last 15 amino acid(s) of the PRRT2 protein. This variant is not present in population databases (gnomAD no frequency). This variant has not been reported in the literature in individuals affected with PRRT2-related conditions. This variant disrupts a region of the PRRT2 protein in which other variant(s) (p.Leu336*) have been determined to be pathogenic (Invitae). This suggests that this is a clinically significant region of the protein, and that variants that disrupt it are likely to be disease-causing. For these reasons, this variant has been classified as Pathogenic.